The following is an entry in ClinVar:

NM_001099922.3(ALG13):c.383+2810T>C

Gene: ALG13 (ALG13 UDP-N-acetylglucosaminyltransferase subunit; plus strand). Cytogenetic location: Xq23.
Variant type: single nucleotide variant.
Coding change: c.383+2810T>C on transcript NM_001099922.3 (MANE Select); 2810 bases into the intron after coding-DNA position 383, T replaced by C.
Molecular consequence: intron variant. On other transcripts: synonymous variant (1), 3 prime UTR variant (1), missense variant (8), non-coding transcript variant (2).
Genome position (GRCh38, 1-based): chrX:111,687,913, T>C. VCF-style: chrX-111687913-T-C. GRCh37 (hg19) VCF-style: chrX-110931141-T-C.
Other names: c.351T>C, p.Asn117= (NM_001039210.5); c.*46T>C (NM_001168385.3); c.98T>C, p.Met33Thr (NM_001257235.3, NM_001257239.3, NM_001257240.3 and 2 more transcripts); c.176T>C, p.Met59Thr (NM_001257241.3); c.416T>C, p.Met139Thr (NM_001324290.2); c.410T>C, p.Met137Thr (NM_018466.6); c.71+2810T>C (NM_001257237.2, NM_001324293.1, NM_001257234.2 and 1 more transcripts); c.149+2810T>C (NM_001257231.2); and 1 more; short protein forms M137T, M139T, M33T, M59T.
Identifiers: ClinVar variation 3052216 (VCV003052216.3), dbSNP rs781571236, ClinGen allele CA10493507.

ClinVar aggregate classification (germline): Likely benign. Review status: criteria provided, single submitter (1 of 4 stars). 2 submissions from 2 submitters: Likely benign (1). 1 of the submissions does not count toward it. Last evaluated 2024-06-27.

Conditions:
ALG13-related disorder. Also called: ALG13-related condition.
Developmental and epileptic encephalopathy, 36 (DEE36). Also called: Epileptic encephalopathy, early infantile, 36; Congenital disorder of glycosylation, type Is; ALG13-CDG. Identifiers: Orphanet 324422, MedGen C4317295, MONDO:0010472, OMIM 300884.

Allele frequency attached by ClinVar (database versions not stated): gnomAD exomes 0.00001; ExAC 0.00003.
gnomAD v4.1: 11 of 1,176,824 alleles (0.00093%); highest among the groups gnomAD compares: South Asian, 0.0079%; no homozygotes.

Submissions (2):

Dr.Nikuei Genetic Center
Classification: Likely benign for Developmental and epileptic encephalopathy, 36. Last evaluated: 2024-06-27. Review status: criteria provided, single submitter. Criteria: ACMG Guidelines, 2015. Collection method: clinical testing. Allele origin: germline. Affected: no.

PreventionGenetics, part of Exact Sciences
Classification: Likely benign for ALG13-related condition. Last evaluated: 2023-09-26. Review status: no assertion criteria provided. Collection method: clinical testing. Allele origin: germline. Not counted in ClinVar's aggregate classification.
Comment: This variant is classified as likely benign based on ACMG/AMP sequence variant interpretation guidelines (Richards et al. 2015 PMID: 25741868, with internal and published modifications).